The following is an entry in ClinVar:

NM_058216.3(RAD51C):c.131C>T (p.Ser44Phe)

Gene: RAD51C (RAD51 paralog C; plus strand). Cytogenetic location: 17q22.
Variant type: single nucleotide variant.
Coding change: c.131C>T on transcript NM_058216.3 (MANE Select); coding-DNA position 131, C replaced by T.
Protein change: p.Ser44Phe; replaces serine 44 with phenylalanine.
Molecular consequence: missense variant. On other transcripts: non-coding transcript variant (1).
Genome position (GRCh38, 1-based): chr17:58,692,774, C>T. VCF-style: chr17-58692774-C-T. GRCh37 (hg19) VCF-style: chr17-56770135-C-T.
Other names: c.131C>T, p.Ser44Phe (NM_002876.4, NM_058217.1); short protein forms S44F.
Identifiers: ClinVar variation 2756474 (VCV002756474.4), dbSNP rs2509262475, ClinGen allele CA400337724.

ClinVar aggregate classification (germline): Uncertain significance. Review status: criteria provided, multiple submitters, no conflicts (2 of 4 stars). 2 submissions from 2 submitters: Uncertain significance (2). Last evaluated 2025-11-17.

Conditions:
Fanconi anemia complementation group O. Also called: RAD51C-Related Fanconi Anemia. Identifiers: Orphanet 84, MedGen C3150653, MONDO:0013248, OMIM 613390.
Hereditary cancer-predisposing syndrome. Also called: Neoplastic Syndromes, Hereditary; Tumor predisposition; Hereditary neoplastic syndrome; Hereditary Cancer Syndrome. Identifiers: Orphanet 140162, MedGen C0027672, MeSH D009386, MONDO:0015356.

Submissions (2):

Ambry Genetics
Classification: Uncertain significance for Hereditary cancer-predisposing syndrome. Last evaluated: 2025-11-17. Review status: criteria provided, single submitter. Criteria: Ambry Variant Classification Scheme 2023. Collection method: clinical testing. Allele origin: germline.
Comment: The p.S44F variant (also known as c.131C>T), located in coding exon 1 of the RAD51C gene, results from a C to T substitution at nucleotide position 131. The serine at codon 44 is replaced by phenylalanine, an amino acid with highly dissimilar properties. This amino acid position is conserved. In addition, this alteration is predicted to be tolerated by in silico analysis. Based on the available evidence, the clinical significance of this variant remains unclear.

Labcorp Genetics (formerly Invitae), Labcorp
Classification: Uncertain significance for Fanconi anemia complementation group O. Last evaluated: 2023-08-30. Review status: criteria provided, single submitter. Criteria: Invitae Variant Classification Sherloc (09022015). Collection method: clinical testing. Allele origin: germline.
Comment: In summary, the available evidence is currently insufficient to determine the role of this variant in disease. Therefore, it has been classified as a Variant of Uncertain Significance. Advanced modeling of protein sequence and biophysical properties (such as structural, functional, and spatial information, amino acid conservation, physicochemical variation, residue mobility, and thermodynamic stability) performed at Invitae indicates that this missense variant is not expected to disrupt RAD51C protein function. This variant has not been reported in the literature in individuals affected with RAD51C-related conditions. This variant is not present in population databases (gnomAD no frequency). This sequence change replaces serine, which is neutral and polar, with phenylalanine, which is neutral and non-polar, at codon 44 of the RAD51C protein (p.Ser44Phe).